The following is an entry in ClinVar:

NM_172107.4(KCNQ2):c.848del (p.Lys283fs)

Gene: KCNQ2 (potassium voltage-gated channel subfamily Q member 2; minus strand). Cytogenetic location: 20q13.33.
Variant type: Deletion.
Coding change: c.848del on transcript NM_172107.4 (MANE Select); coding-DNA position 848, one base deleted (A; older notation c.848delA).
Protein change: p.Lys283fs; shifts the reading frame from lysine 283.
Molecular consequence: frameshift variant.
Genome position (GRCh38, 1-based): chr20:63,439,677, T deleted on the plus strand (A on the coding strand, the reverse complement: KCNQ2 is on the minus strand); the first of 2 consecutive T bases (chr20:63,439,677-63,439,678); deleting either gives the same sequence. VCF-style (leftmost placement, unchanged base first): chr20-63439676-CT-C. GRCh37 (hg19) VCF-style: chr20-62071029-CT-C.
Other names: c.848del, p.Lys283fs (NM_004518.6, NM_172106.3, NM_172108.5 and 1 more transcripts); short protein forms K283fs.
Identifiers: ClinVar variation 530425 (VCV000530425.7), dbSNP rs1555870506, ClinGen allele CA658799388.

ClinVar aggregate classification (germline): Pathogenic (1 of 4 stars; one submission).

Conditions:
Early-infantile DEE. Also called: Early infantile epileptic encephalopathy; Early infantile epileptic encephalopathy with suppression bursts; Ohtahara syndrome. Identifiers: Orphanet 1934, MedGen C0393706, MONDO:0800491.

Submission:

Labcorp Genetics (formerly Invitae), Labcorp
Classification: Pathogenic for Early-infantile DEE. Last evaluated: 2024-04-11. Review status: criteria provided, single submitter. Criteria: Invitae Variant Classification Sherloc (09022015). Collection method: clinical testing. Allele origin: germline.
Comment: This sequence change creates a premature translational stop signal (p.Lys283Serfs*36) in the KCNQ2 gene. It is expected to result in an absent or disrupted protein product. Loss-of-function variants in KCNQ2 are known to be pathogenic (PMID: 14534157, 23692823, 27779742). This variant is not present in population databases (gnomAD no frequency). This variant has not been reported in the literature in individuals affected with KCNQ2-related conditions. ClinVar contains an entry for this variant (Variation ID: 530425). For these reasons, this variant has been classified as Pathogenic.

Literature cited by the submitters: PubMed 14534157; PubMed 23692823; PubMed 27779742.